The following is an entry in ClinVar:

NM_000147.5(FUCA1):c.1286A>G (p.Asp429Gly)

Gene: FUCA1 (alpha-L-fucosidase 1; minus strand). Cytogenetic location: 1p36.11.
Variant type: single nucleotide variant.
Coding change: c.1286A>G on transcript NM_000147.5 (MANE Select); coding-DNA position 1286, A replaced by G.
Protein change: p.Asp429Gly; replaces aspartic acid 429 with glycine.
Molecular consequence: missense variant. On other transcripts: non-coding transcript variant (4).
Genome position (GRCh38, 1-based): chr1:23,845,830, T>C on the plus strand (A>G on the coding strand, the complement: FUCA1 is on the minus strand). VCF-style: chr1-23845830-T-C. GRCh37 (hg19) VCF-style: chr1-24172320-T-C.
Other names: short protein forms D429G.
Identifiers: ClinVar variation 2079874 (VCV002079874.4), dbSNP rs2521615911, ClinGen allele CA339034123.

ClinVar aggregate classification (germline): Uncertain significance (1 of 4 stars; one submission).

Conditions:
Fucosidosis. Also called: ALPHA-L-FUCOSIDASE DEFICIENCY. Identifiers: Orphanet 349, MedGen C0016788, MONDO:0009254, OMIM 230000.

Submission:

Labcorp Genetics (formerly Invitae), Labcorp
Classification: Uncertain significance for Fucosidosis. Last evaluated: 2022-09-12. Review status: criteria provided, single submitter. Criteria: Invitae Variant Classification Sherloc (09022015). Collection method: clinical testing. Allele origin: germline.
Comment: In summary, the available evidence is currently insufficient to determine the role of this variant in disease. Therefore, it has been classified as a Variant of Uncertain Significance. Algorithms developed to predict the effect of sequence changes on RNA splicing suggest that this variant may create or strengthen a splice site. Advanced modeling of protein sequence and biophysical properties (such as structural, functional, and spatial information, amino acid conservation, physicochemical variation, residue mobility, and thermodynamic stability) performed at Invitae indicates that this missense variant is not expected to disrupt FUCA1 protein function. This variant has not been reported in the literature in individuals affected with FUCA1-related conditions. This variant is not present in population databases (gnomAD no frequency). This sequence change replaces aspartic acid, which is acidic and polar, with glycine, which is neutral and non-polar, at codon 429 of the FUCA1 protein (p.Asp429Gly).